The following is an entry in ClinVar:

ClinVar aggregate classification (germline): Uncertain significance (1 of 4 stars; one submission).

Allele frequency attached by ClinVar (database versions not stated): ExAC 0.00003; gnomAD 0.00005; TOPMed 0.00005; gnomAD exomes 0.00006; ESP Exome Variant Server 0.00008.
gnomAD v4.1: 89 of 1,612,084 alleles (0.0055%); highest among the groups gnomAD compares: African/African-American, 0.0067%; no homozygotes.

Submission:

Labcorp Genetics (formerly Invitae), Labcorp
Classification: Uncertain significance. Last evaluated: 2025-08-18. Review status: criteria provided, single submitter. Criteria: Invitae Variant Classification Sherloc (09022015). Collection method: clinical testing. Allele origin: germline.
Comment: This sequence change replaces serine, which is neutral and polar, with leucine, which is neutral and non-polar, at codon 111 of the ATP5D protein (p.Ser111Leu). This variant is present in population databases (rs374169627, gnomAD 0.007%). This variant has not been reported in the literature in individuals affected with ATP5D-related conditions. ClinVar contains an entry for this variant (Variation ID: 2159489). An algorithm developed to predict the effect of missense changes on protein structure and function (PolyPhen-2) suggests that this variant is likely to be disruptive. In summary, the available evidence is currently insufficient to determine the role of this variant in disease. Therefore, it has been classified as a Variant of Uncertain Significance.

NM_001687.5(ATP5F1D):c.332C>T (p.Ser111Leu)

Gene: ATP5F1D (ATP synthase F1 subunit delta; plus strand). Cytogenetic location: 19p13.3.
Variant type: single nucleotide variant.
Coding change: c.332C>T on transcript NM_001687.5 (MANE Select); coding-DNA position 332, C replaced by T.
Protein change: p.Ser111Leu; replaces serine 111 with leucine.
Molecular consequence: missense variant.
Genome position (GRCh38, 1-based): chr19:1,244,133, C>T. VCF-style: chr19-1244133-C-T. GRCh37 (hg19) VCF-style: chr19-1244132-C-T.
Other names: c.332C>T, p.Ser111Leu (NM_001001975.2); short protein forms S111L.
Identifiers: ClinVar variation 2159489 (VCV002159489.4), dbSNP rs374169627, ClinGen allele CA9040281.